The following is an entry in ClinVar:

NM_001194998.2(CEP152):c.638C>T (p.Thr213Ile)

Gene: CEP152 (centrosomal protein 152; minus strand). Cytogenetic location: 15q21.1.
Variant type: single nucleotide variant.
Coding change: c.638C>T on transcript NM_001194998.2 (MANE Select); coding-DNA position 638, C replaced by T.
Protein change: p.Thr213Ile; replaces threonine 213 with isoleucine.
Molecular consequence: missense variant.
Genome position (GRCh38, 1-based): chr15:48,796,063, G>A on the plus strand (C>T on the coding strand, the complement: CEP152 is on the minus strand). VCF-style: chr15-48796063-G-A. GRCh37 (hg19) VCF-style: chr15-49088260-G-A.
Other names: c.638C>T, p.Thr213Ile (NM_014985.4); short protein forms T213I.
Identifiers: ClinVar variation 886140 (VCV000886140.8), dbSNP rs749959761, ClinGen allele CA7549075.

ClinVar aggregate classification (germline): Uncertain significance. Review status: criteria provided, multiple submitters, no conflicts (2 of 4 stars). 5 submissions from 4 submitters: Uncertain significance (5). Last evaluated 2025-08-31.

Conditions:
Inborn genetic diseases. Identifiers: MedGen C0950123, MeSH D030342.
Seckel syndrome 5 (SCKL5). Identifiers: Orphanet 808, MedGen C3151187, MONDO:0013443, OMIM 613823.
Microcephaly 9, primary, autosomal recessive. Identifiers: Orphanet 2512, MedGen C3553886, MONDO:0013923, OMIM 614852.

Allele frequency attached by ClinVar (database versions not stated): gnomAD 0.00001; gnomAD exomes 0.00001 and 0.00002; ExAC 0.00002; TOPMed 0.00002.
gnomAD v4.1: 11 of 1,613,674 alleles (0.00068%); highest among the groups gnomAD compares: Admixed American, 0.017%; no homozygotes.

Submissions (5):

Ambry Genetics
Classification: Uncertain significance for Inborn genetic diseases. Last evaluated: 2025-08-31. Review status: criteria provided, single submitter. Criteria: Ambry Variant Classification Scheme 2023. Collection method: clinical testing. Allele origin: germline.

Labcorp Genetics (formerly Invitae), Labcorp
Classification: Uncertain significance. Last evaluated: 2022-07-29. Review status: criteria provided, single submitter. Criteria: Invitae Variant Classification Sherloc (09022015). Collection method: clinical testing. Allele origin: germline.
Comment: This sequence change replaces threonine, which is neutral and polar, with isoleucine, which is neutral and non-polar, at codon 213 of the CEP152 protein (p.Thr213Ile). This variant is present in population databases (rs749959761, gnomAD 0.02%). This variant has not been reported in the literature in individuals affected with CEP152-related conditions. ClinVar contains an entry for this variant (Variation ID: 886140). Algorithms developed to predict the effect of missense changes on protein structure and function (SIFT, PolyPhen-2, Align-GVGD) all suggest that this variant is likely to be tolerated. In summary, the available evidence is currently insufficient to determine the role of this variant in disease. Therefore, it has been classified as a Variant of Uncertain Significance.

GeneDx
Classification: Uncertain significance. Last evaluated: 2021-07-12. Review status: criteria provided, single submitter. Criteria: GeneDx Variant Classification Process June 2021. Collection method: clinical testing. Allele origin: germline. Affected: yes.
Comment: In silico analysis supports that this missense variant does not alter protein structure/function; Has not been previously published as pathogenic or benign to our knowledge; This variant is associated with the following publications: (PMID: 27535533)

Illumina Laboratory Services, Illumina
Classification: Uncertain significance for Microcephaly 9, primary, autosomal recessive. Last evaluated: 2018-01-13. Review status: criteria provided, single submitter. Criteria: ICSL Variant Classification Criteria 13 December 2019. Collection method: clinical testing. Allele origin: germline.

Illumina Laboratory Services, Illumina
Classification: Uncertain significance for Seckel syndrome 5. Last evaluated: 2018-01-13. Review status: criteria provided, single submitter. Criteria: ICSL Variant Classification Criteria 13 December 2019. Collection method: clinical testing. Allele origin: germline.